The following is an entry in ClinVar:

ClinVar aggregate classification (germline): Conflicting classifications of pathogenicity. Review status: criteria provided, conflicting classifications (1 of 4 stars). 3 submissions from 3 submitters: Uncertain significance (1); Likely benign (2). Last evaluated 2024-10-22.

Conditions:
Hereditary cancer-predisposing syndrome. Also called: Hereditary neoplastic syndrome; Neoplastic Syndromes, Hereditary; Tumor predisposition; Hereditary Cancer Syndrome. Identifiers: Orphanet 140162, MedGen C0027672, MeSH D009386, MONDO:0015356.
Familial cancer of breast. Also called: BREAST CANCER, FAMILIAL; Hereditary breast cancer; hereditary breast carcinoma. Identifiers: Orphanet 227535, MedGen C0346153, MONDO:0016419, OMIM 114480. Disease mechanism: loss of function.
Ataxia-telangiectasia syndrome (AT). Also called: LOUIS-BAR SYNDROME; Cerebello-oculocutaneous telangiectasia; Immunodeficiency with ataxia telangiectasia; AT, COMPLEMENTATION GROUP C; Ataxia-telangiectasia, complementation group D; ATAXIA-TELANGIECTASIA, COMPLEMENTATION GROUP A. Identifiers: Orphanet 100, MedGen C0004135, MONDO:0008840, OMIM 208900.

Allele frequency attached by ClinVar (database versions not stated): gnomAD exomes 0.00001 and below 0.00001; ExAC 0.00001.
gnomAD v4.1: 3 of 1,611,220 alleles (0.00019%); highest among the groups gnomAD compares: South Asian, 0.0033%; no homozygotes.

Submissions (3):

Labcorp Genetics (formerly Invitae), Labcorp
Classification: Likely benign for Ataxia-telangiectasia syndrome. Last evaluated: 2024-10-22. Review status: criteria provided, single submitter. Criteria: Invitae Variant Classification Sherloc (09022015). Collection method: clinical testing. Allele origin: germline.

Myriad Genetics, Inc.
Classification: Likely benign for Familial cancer of breast. Last evaluated: 2024-05-08. Review status: criteria provided, single submitter. Criteria: Myriad Autosomal Dominant, Autosomal Recessive and X-Linked Classification Criteria (2023). Collection method: clinical testing. Allele origin: unknown.
Comment: This variant is considered likely benign. This variant is intronic and is not expected to impact mRNA splicing.

Ambry Genetics
Classification: Uncertain significance for Hereditary cancer-predisposing syndrome. Last evaluated: 2023-03-10. Review status: criteria provided, single submitter. Criteria: Ambry Variant Classification Scheme 2023. Collection method: clinical testing. Allele origin: germline.
Comment: The c.2377-5T>C intronic variant results from a T to C substitution 5 nucleotides upstream from coding exon 15 in the ATM gene. This nucleotide position is well conserved in available vertebrate species. In silico splice site analysis for this alteration is inconclusive. Since supporting evidence is limited at this time, the clinical significance of this alteration remains unclear.

NM_000051.4(ATM):c.2377-5T>C

Gene: ATM (ATM serine/threonine kinase; plus strand). Cytogenetic location: 11q22.3.
Variant type: single nucleotide variant.
Coding change: c.2377-5T>C on transcript NM_000051.4 (MANE Select); 5 bases into the intron before coding-DNA position 2377, T replaced by C.
Molecular consequence: intron variant.
Genome position (GRCh38, 1-based): chr11:108,258,981, T>C. VCF-style: chr11-108258981-T-C. GRCh37 (hg19) VCF-style: chr11-108129708-T-C.
Other names: c.2377-5T>C (NM_001351834.2).
Identifiers: ClinVar variation 481134 (VCV000481134.13), dbSNP rs754206007, ClinGen allele CA6265018.